The following is an entry in ClinVar:

NM_001987.5(ETV6):c.825C>A (p.His275Gln)

Gene: ETV6 (ETS variant transcription factor 6; plus strand). Cytogenetic location: 12p13.2.
Variant type: single nucleotide variant.
Coding change: c.825C>A on transcript NM_001987.5 (MANE Select); coding-DNA position 825, C replaced by A.
Protein change: p.His275Gln; replaces histidine 275 with glutamine.
Molecular consequence: missense variant.
Genome position (GRCh38, 1-based): chr12:11,869,785, C>A. VCF-style: chr12-11869785-C-A. GRCh37 (hg19) VCF-style: chr12-12022719-C-A.
Other names: c.822C>A, p.His274Gln (NM_001413913.1); c.798C>A, p.His266Gln (NM_001413914.1); c.561C>A, p.His187Gln (NM_001413915.1); c.825C>A, p.His275Gln (NM_001413916.1, NM_001413917.1); short protein forms H266Q, H187Q, H274Q, H275Q.
Identifiers: ClinVar variation 5036211 (VCV005036211.1).

ClinVar aggregate classification (germline): Uncertain significance (1 of 4 stars; one submission).

Conditions:
Inborn genetic diseases. Identifiers: MedGen C0950123, MeSH D030342.

Submission:

Ambry Genetics
Classification: Uncertain significance for Inborn genetic diseases. Last evaluated: 2026-08-02. Review status: criteria provided, single submitter. Criteria: Ambry Variant Classification Scheme 2023. Collection method: clinical testing. Allele origin: germline.
Comment: The p.H275Q variant (also known as c.825C>A), located in coding exon 5 of the ETV6 gene, results from a C to A substitution at nucleotide position 825. The histidine at codon 275 is replaced by glutamine, an amino acid with highly similar properties. This amino acid position is conserved. In addition, this alteration is predicted to be tolerated by in silico analysis. Based on the available evidence, the clinical significance of this variant remains unclear.